The following is an entry in ClinVar:

ClinVar aggregate classification (germline): Uncertain significance (1 of 4 stars; one submission).

Submission:

Labcorp Genetics (formerly Invitae), Labcorp
Classification: Uncertain significance. Last evaluated: 2023-08-17. Review status: criteria provided, single submitter. Criteria: Invitae Variant Classification Sherloc (09022015). Collection method: clinical testing. Allele origin: germline.
Comment: In summary, the available evidence is currently insufficient to determine the role of this variant in disease. Therefore, it has been classified as a Variant of Uncertain Significance. An algorithm developed to predict the effect of missense changes on protein structure and function (PolyPhen-2) suggests that this variant is likely to be tolerated. This variant has not been reported in the literature in individuals affected with IDH3A-related conditions. Information on the frequency of this variant in the gnomAD database is not available, as this variant may be reported differently in the database. This sequence change replaces alanine, which is neutral and non-polar, with glycine, which is neutral and non-polar, at codon 48 of the IDH3A protein (p.Ala48Gly).

NM_005530.3(IDH3A):c.143_144delinsGG (p.Ala48Gly)

Gene: IDH3A (isocitrate dehydrogenase (NAD(+)) 3 catalytic subunit alpha; plus strand). Cytogenetic location: 15q25.1.
Variant type: Indel.
Coding change: c.143_144delinsGG on transcript NM_005530.3 (MANE Select); coding-DNA positions 143 to 144, CT replaced by GG.
Protein change: p.Ala48Gly; replaces alanine 48 with glycine.
Molecular consequence: missense variant.
Genome position (GRCh38, 1-based): chr15:78,157,600-78,157,601, CT replaced by GG. VCF-style: chr15-78157600-CT-GG. GRCh37 (hg19) VCF-style: chr15-78449942-CT-GG.
Other names: short protein forms A48G.
Identifiers: ClinVar variation 2787034 (VCV002787034.3), dbSNP rs2548835008, ClinGen allele CA2739269613.